The following is an entry in ClinVar:

ClinVar aggregate classification (germline): Uncertain significance (1 of 4 stars; one submission).

Conditions:
Cranium bifidum occultum. Also called: CRANIUM BIFIDUM, HEREDITARY; CATLIN MARKS; Enlarged Parietal Foramina. Identifiers: MedGen C1868598, HP:0004423.

gnomAD v4.1: 10 of 1,614,194 alleles (0.00062%); highest among the groups gnomAD compares: Non-Finnish European, 0.00076%; no homozygotes.

Submission:

Labcorp Genetics (formerly Invitae), Labcorp
Classification: Uncertain significance for Cranium bifidum occultum. Last evaluated: 2025-11-06. Review status: criteria provided, single submitter. Criteria: Invitae Variant Classification Sherloc (09022015). Collection method: clinical testing. Allele origin: germline.
Comment: This sequence change replaces alanine, which is neutral and non-polar, with glycine, which is neutral and non-polar, at codon 211 of the MSX2 protein (p.Ala211Gly). This variant is present in population databases (rs767161367, gnomAD 0.002%). This variant has not been reported in the literature in individuals affected with MSX2-related conditions. Invitae Evidence Modeling of protein sequence and biophysical properties (such as structural, functional, and spatial information, amino acid conservation, physicochemical variation, residue mobility, and thermodynamic stability) indicates that this missense variant is not expected to disrupt MSX2 protein function with a negative predictive value of 80%. In summary, the available evidence is currently insufficient to determine the role of this variant in disease. Therefore, it has been classified as a Variant of Uncertain Significance.

NM_002449.5(MSX2):c.632C>G (p.Ala211Gly)

Gene: MSX2 (msh homeobox 2; plus strand). Cytogenetic location: 5q35.2.
Variant type: single nucleotide variant.
Coding change: c.632C>G on transcript NM_002449.5 (MANE Select); coding-DNA position 632, C replaced by G.
Protein change: p.Ala211Gly; replaces alanine 211 with glycine.
Molecular consequence: missense variant. On other transcripts: 3 prime UTR variant (1).
Genome position (GRCh38, 1-based): chr5:174,729,411, C>G. VCF-style: chr5-174729411-C-G. GRCh37 (hg19) VCF-style: chr5-174156414-C-G.
Other names: c.*256C>G (NM_001363626.2); short protein forms A211G.
Identifiers: ClinVar variation 4695670 (VCV004695670.1).